The following is an entry in ClinVar:

ClinVar aggregate classification (germline): Uncertain significance (1 of 4 stars; one submission).

Allele frequency attached by ClinVar (database versions not stated): gnomAD exomes below 0.00001.
gnomAD v4.1: 1 of 1,550,394 alleles (0.000064%); highest among the groups gnomAD compares: South Asian, 0.0012%; no homozygotes.

Submission:

Labcorp Genetics (formerly Invitae), Labcorp
Classification: Uncertain significance. Last evaluated: 2022-04-09. Review status: criteria provided, single submitter. Criteria: Invitae Variant Classification Sherloc (09022015). Collection method: clinical testing. Allele origin: germline.
Comment: This variant is not present in population databases (gnomAD no frequency). This sequence change replaces alanine, which is neutral and non-polar, with threonine, which is neutral and polar, at codon 1216 of the ZNF469 protein (p.Ala1216Thr). This variant has not been reported in the literature in individuals affected with ZNF469-related conditions. Algorithms developed to predict the effect of missense changes on protein structure and function (SIFT, PolyPhen-2, Align-GVGD) all suggest that this variant is likely to be tolerated. In summary, the available evidence is currently insufficient to determine the role of this variant in disease. Therefore, it has been classified as a Variant of Uncertain Significance.

NM_001367624.2(ZNF469):c.3730G>A (p.Ala1244Thr)

Gene: ZNF469 (zinc finger protein 469; plus strand). Cytogenetic location: 16q24.2.
Variant type: single nucleotide variant.
Coding change: c.3730G>A on transcript NM_001367624.2 (MANE Select); coding-DNA position 3730, G replaced by A.
Protein change: p.Ala1244Thr; replaces alanine 1244 with threonine.
Molecular consequence: missense variant.
Genome position (GRCh38, 1-based): chr16:88,431,200, G>A. VCF-style: chr16-88431200-G-A. GRCh37 (hg19) VCF-style: chr16-88497608-G-A.
Other names: short protein forms A1244T.
Identifiers: ClinVar variation 2078805 (VCV002078805.4), dbSNP rs2507584646, ClinGen allele CA397086492.